The following is an entry in ClinVar:

NM_000551.4(VHL):c.183C>A (p.Pro61=)

Gene: VHL (von Hippel-Lindau tumor suppressor; plus strand). Cytogenetic location: 3p25.3.
Variant type: single nucleotide variant.
Coding change: c.183C>A on transcript NM_000551.4 (MANE Select); coding-DNA position 183, C replaced by A.
Protein change: p.Pro61=; no amino-acid change (proline 61 retained).
Molecular consequence: synonymous variant.
Genome position (GRCh38, 1-based): chr3:10,142,030, C>A. VCF-style: chr3-10142030-C-A. GRCh37 (hg19) VCF-style: chr3-10183714-C-A.
Other names: c.183C>A, p.Pro61= (NM_001354723.2, NM_198156.3).
Identifiers: ClinVar variation 764216 (VCV000764216.12), dbSNP rs63650860, ClinGen allele CA432536382.
Genomic context (GRCh38, chr3:10,142,030, plus strand): 5'-AGAGTCCGGCCCGGAGGAACTGGGCGCCGAGGAGGAGATGGAGGCCGGGCGGCCGCGGCC[C>A]GTGCTGCGCTCGGTGAACTCGCGCGAGCCCTCCCAGGTCATCTTCTGCAATCGCAGTCCG-3'
Protein context (NP_000542.1, residues 51-71): EEEMEAGRPR[Pro61=]VLRSVNSREP

ClinVar aggregate classification (germline): Benign/Likely benign. Review status: criteria provided, multiple submitters, no conflicts (2 of 4 stars). 3 submissions from 3 submitters: Benign (1); Likely benign (2). Last evaluated 2025-09-08.

Conditions:
Von Hippel-Lindau syndrome (VHLS). Also called: von Hippel–Lindau syndrome; Von Hippel-Lindau; VHL syndrome. Identifiers: Orphanet 892, MedGen C0019562, MONDO:0008667, OMIM 193300. Disease mechanism: loss of function.
Chuvash polycythemia. Also called: POLYCYTHEMIA, VHL-DEPENDENT. Identifiers: Orphanet 238557, MedGen C1837915, MONDO:0009892, OMIM 263400.
Hereditary cancer-predisposing syndrome. Also called: Tumor predisposition; Hereditary Cancer Syndrome; Neoplastic Syndromes, Hereditary; Hereditary neoplastic syndrome. Identifiers: Orphanet 140162, MedGen C0027672, MeSH D009386, MONDO:0015356.

Submissions (3):

Labcorp Genetics (formerly Invitae), Labcorp
Classification: Likely benign for Von Hippel-Lindau syndrome; Chuvash polycythemia. Last evaluated: 2025-09-08. Review status: criteria provided, single submitter. Criteria: Invitae Variant Classification Sherloc (09022015). Collection method: clinical testing. Allele origin: germline.

Myriad Genetics, Inc.
Classification: Benign for Von Hippel-Lindau syndrome. Last evaluated: 2025-06-10. Review status: criteria provided, single submitter. Criteria: Myriad Autosomal Dominant, Autosomal Recessive and X-Linked Classification Criteria (2023). Collection method: clinical testing. Allele origin: unknown.
Comment: This variant is considered benign. This variant is a silent/synonymous amino acid change and it is not expected to impact splicing.

Ambry Genetics
Classification: Likely benign for Hereditary cancer-predisposing syndrome. Last evaluated: 2022-12-05. Review status: criteria provided, single submitter. Criteria: Ambry Variant Classification Scheme 2023. Collection method: clinical testing. Allele origin: germline.